The following is an entry in ClinVar:

ClinVar aggregate classification (germline): Uncertain significance. Review status: criteria provided, multiple submitters, no conflicts (2 of 4 stars). 2 submissions from 2 submitters: Uncertain significance (2). Last evaluated 2025-03-07.

Conditions:
Pulmonary hypertension, primary, 1 (PPH1). Also called: Pulmonary hypertension, familial primary, 1, with or without HHT. Identifiers: Orphanet 422, MedGen C4552070, MONDO:0024533, OMIM 178600.
Pulmonary venoocclusive disease 1 (PVOD1). Also called: Pulmonary venoocclusive disease 1, autosomal dominant. Identifiers: Orphanet 31837, MedGen C3887658, MONDO:0020713, OMIM 265450.

Submissions (2):

GeneDx
Classification: Uncertain significance. Last evaluated: 2025-03-07. Review status: criteria provided, single submitter. Criteria: GeneDx Variant Classification Process June 2021. Collection method: clinical testing. Allele origin: germline. Affected: yes.
Comment: Not observed at significant frequency in large population cohorts (gnomAD); In-frame deletion of 1 amino acid in a non-repeat region; In silico analysis supports a deleterious effect on protein structure/function; Has not been previously published as pathogenic or benign to our knowledge

Fulgent Genetics
Classification: Uncertain significance for Pulmonary hypertension, primary, 1; Pulmonary venoocclusive disease 1. Last evaluated: 2023-12-27. Review status: criteria provided, single submitter. Criteria: ACMG Guidelines, 2015. Collection method: clinical testing. Allele origin: germline.

NM_001204.7(BMPR2):c.1977AGA[2] (p.Glu661del)

Gene: BMPR2 (bone morphogenetic protein receptor type 2; plus strand). Cytogenetic location: 2q33.2.
Variant type: Microsatellite.
Coding change: c.1977AGA[2] on transcript NM_001204.7 (MANE Select); two copies in a row of the 3-base unit AGA starting at c.1977; the reference has three copies in a row; one copy, 3 bases deleted; also written c.1983_1985del.
Protein change: p.Glu661del; deletes glutamic acid 661.
Molecular consequence: inframe indel (on NM_001204.6).
Genome position (GRCh38, 1-based): chr2:202,555,648-202,555,650, AGA deleted; deleting any 3 consecutive bases within chr2:202,555,642-202,555,650 gives the same sequence; the position shown is the placement nearest the transcript's 3' end. VCF-style (leftmost placement, unchanged base first): chr2-202555641-CAGA-C. GRCh37 (hg19) VCF-style: chr2-203420364-CAGA-C.
Other names: c.1977_1979AGA[2], p.Glu661del (NM_001204.6); c.1983_1985del (NM_001204.6, NM_001204.7); short protein forms E661del.
Identifiers: ClinVar variation 3585293 (VCV003585293.2).